The following is an entry in ClinVar:

NM_004006.3(DMD):c.10453C>G (p.Leu3485Val)

Gene: DMD (dystrophin; minus strand). Cytogenetic location: Xp21.2.
Variant type: single nucleotide variant.
Coding change: c.10453C>G on transcript NM_004006.3 (MANE Select); coding-DNA position 10453, C replaced by G.
Protein change: p.Leu3485Val; replaces leucine 3485 with valine.
Molecular consequence: missense variant. On other transcripts: intron variant (2).
Genome position (GRCh38, 1-based): chrX:31,169,543, G>C on the plus strand (C>G on the coding strand, the complement: DMD is on the minus strand). VCF-style: chrX-31169543-G-C. GRCh37 (hg19) VCF-style: chrX-31187660-G-C.
Other names: c.10429C>G, p.Leu3477Val (NM_000109.4); c.10441C>G, p.Leu3481Val (NM_004009.3); c.10084C>G, p.Leu3362Val (NM_004010.3); c.6430C>G, p.Leu2144Val (NM_004011.4); c.6421C>G, p.Leu2141Val (NM_004012.4); c.3073C>G, p.Leu1025Val (NM_004013.3, NM_004021.3); c.2266C>G, p.Leu756Val (NM_004014.3); c.1249C>G, p.Leu417Val (NM_004015.3, NM_004016.3); and 3 more; short protein forms L1025V, L2141V, L404V, L756V, L1012V, L3362V, L3477V, L2144V.
Identifiers: ClinVar variation 2910541 (VCV002910541.3), dbSNP rs2148184187, ClinGen allele CA412651942.
Genomic context (GRCh38, chrX:31,169,543, plus strand): 5'-CCCCTCTTTCCTCACTCTCTAAGGAAATCAAGATCTGGGCAGGACTACGAGGCTGGCTCA[G>C]GGGGGAGTCCTGGTTCAAACTTTGGCAGTAATGCTGGATTAACAAATGTTCATCATCTCT-3'
Protein context (NP_003997.2, residues 3475-3495): YCQSLNQDSP[Leu3485Val]SQPRSPAQIL

ClinVar aggregate classification (germline): Uncertain significance (1 of 4 stars; one submission).

Conditions:
Duchenne muscular dystrophy (DMD). Also called: MUSCULAR DYSTROPHY, PSEUDOHYPERTROPHIC PROGRESSIVE, DUCHENNE TYPE; Duchenne Muscular Dystrophy (DMD). Identifiers: Orphanet 98896, MedGen C0013264, MONDO:0010679, OMIM 310200.

Allele frequency attached by ClinVar (database versions not stated): gnomAD exomes below 0.00001.
gnomAD v4.1: 2 of 1,203,815 alleles (0.00017%); highest among the groups gnomAD compares: Non-Finnish European, 0.00022%; no homozygotes.

Submission:

Labcorp Genetics (formerly Invitae), Labcorp
Classification: Uncertain significance for Duchenne muscular dystrophy. Last evaluated: 2024-09-23. Review status: criteria provided, single submitter. Criteria: Invitae Variant Classification Sherloc (09022015). Collection method: clinical testing. Allele origin: germline.
Comment: This sequence change replaces leucine, which is neutral and non-polar, with valine, which is neutral and non-polar, at codon 3485 of the DMD protein (p.Leu3485Val). This variant is not present in population databases (gnomAD no frequency). This variant has not been reported in the literature in individuals affected with DMD-related conditions. Invitae Evidence Modeling of protein sequence and biophysical properties (such as structural, functional, and spatial information, amino acid conservation, physicochemical variation, residue mobility, and thermodynamic stability) indicates that this missense variant is not expected to disrupt DMD protein function with a negative predictive value of 95%. In summary, the available evidence is currently insufficient to determine the role of this variant in disease. Therefore, it has been classified as a Variant of Uncertain Significance.